The following is an entry in ClinVar:

ClinVar aggregate classification (germline): Likely benign. Review status: criteria provided, multiple submitters, no conflicts (2 of 4 stars). 2 submissions from 2 submitters: Likely benign (2). Last evaluated 2025-08-01.

Conditions:
Hereditary cancer-predisposing syndrome. Also called: Neoplastic Syndromes, Hereditary; Tumor predisposition; Hereditary Cancer Syndrome; Hereditary neoplastic syndrome. Identifiers: Orphanet 140162, MedGen C0027672, MeSH D009386, MONDO:0015356.

Submissions (2):

CeGaT Center for Human Genetics Tuebingen
Classification: Likely benign. Last evaluated: 2025-08-01. Review status: criteria provided, single submitter. Criteria: CeGaT Center For Human Genetics Tuebingen Variant Classification Criteria Version 2. Collection method: clinical testing. Allele origin: germline. Affected: yes. Observed: 1 variant allele.
Comment: PHOX2B: PM2:Supporting, BP4, BP7

Ambry Genetics
Classification: Likely benign for Hereditary cancer-predisposing syndrome. Last evaluated: 2022-12-11. Review status: criteria provided, single submitter. Criteria: Ambry Variant Classification Scheme 2023. Collection method: clinical testing. Allele origin: germline.

NM_003924.4(PHOX2B):c.513C>T (p.Ser171=)

Gene: PHOX2B (paired like homeobox 2B; minus strand). Cytogenetic location: 4p13.
Variant type: single nucleotide variant.
Coding change: c.513C>T on transcript NM_003924.4 (MANE Select); coding-DNA position 513, C replaced by T.
Protein change: p.Ser171=; no amino-acid change (serine 171 retained).
Molecular consequence: synonymous variant.
Genome position (GRCh38, 1-based): chr4:41,746,239, G>A on the plus strand (C>T on the coding strand, the complement: PHOX2B is on the minus strand). VCF-style: chr4-41746239-G-A. GRCh37 (hg19) VCF-style: chr4-41748256-G-A.
Identifiers: ClinVar variation 2448118 (VCV002448118.10), dbSNP rs2552096890, ClinGen allele CA439143385.